The following is an entry in ClinVar:

ClinVar aggregate classification (germline): Uncertain significance (1 of 4 stars; one submission).

Conditions:
Hyperphosphatasia with intellectual disability syndrome 5 (GPIBD11). Also called: GLYCOSYLPHOSPHATIDYLINOSITOL BIOSYNTHESIS DEFECT 11. Identifiers: Orphanet 247262, MedGen C4014958, MONDO:0014457, OMIM 616025.

Allele frequency attached by ClinVar (database versions not stated): gnomAD exomes below 0.00001; gnomAD 0.00001; TOPMed 0.00001.

Submission:

Labcorp Genetics (formerly Invitae), Labcorp
Classification: Uncertain significance for Hyperphosphatasia with intellectual disability syndrome 5. Last evaluated: 2021-08-23. Review status: criteria provided, single submitter. Criteria: Invitae Variant Classification Sherloc (09022015). Collection method: clinical testing. Allele origin: germline.
Comment: This variant has not been reported in the literature in individuals affected with PIGW-related conditions. This variant is not present in population databases (ExAC no frequency). In summary, the available evidence is currently insufficient to determine the role of this variant in disease. Therefore, it has been classified as a Variant of Uncertain Significance. Experimental studies and prediction algorithms are not available or were not evaluated, and the functional significance of this variant is currently unknown. This sequence change creates a premature translational stop signal (p.Gly172Argfs*89) in the PIGW gene. While this is not anticipated to result in nonsense mediated decay, it is expected to disrupt the last 333 amino acid(s) of the PIGW protein.

NM_001346754.2(PIGW):c.512dup (p.Gly172fs)

Genes: MYO19 (myosin XIX; minus strand), PIGW (phosphatidylinositol glycan anchor biosynthesis class W; plus strand). Cytogenetic location: 17q12.
Variant type: Duplication.
Coding change: c.512dup on transcript NM_001346754.2 (MANE Select); coding-DNA position 512, one base duplicated (T; older notation c.512dupT).
Protein change: p.Gly172fs; shifts the reading frame from glycine 172.
Molecular consequence: frameshift variant.
Genome position (GRCh38, 1-based): chr17:36,537,613, T duplicated. VCF-style (leftmost placement, unchanged base first): chr17-36537612-G-GT. GRCh37 (hg19) VCF-style: chr17-34893461-G-GT.
Other names: c.512dup, p.Gly172fs (NM_001346755.2, NM_178517.5); short protein forms G172fs.
Identifiers: ClinVar variation 1444545 (VCV001444545.6), dbSNP rs1255315606, ClinGen allele CA728502302.